The following is an entry in ClinVar:

ClinVar aggregate classification (germline): Uncertain significance (1 of 4 stars; one submission).

gnomAD v4.1: 15 of 1,613,858 alleles (0.00093%); highest among the groups gnomAD compares: Admixed American, 0.023%; no homozygotes.

Submission:

Labcorp Genetics (formerly Invitae), Labcorp
Classification: Uncertain significance. Last evaluated: 2025-12-09. Review status: criteria provided, single submitter. Criteria: Invitae Variant Classification Sherloc (09022015). Collection method: clinical testing. Allele origin: germline.
Comment: This sequence change replaces glycine, which is neutral and non-polar, with valine, which is neutral and non-polar, at codon 623 of the DNAH9 protein (p.Gly623Val). This variant is present in population databases (rs772814258, gnomAD 0.04%). This variant has not been reported in the literature in individuals affected with DNAH9-related conditions. An algorithm developed to predict the effect of missense changes on protein structure and function (PolyPhen-2) suggests that this variant is likely to be tolerated. In summary, the available evidence is currently insufficient to determine the role of this variant in disease. Therefore, it has been classified as a Variant of Uncertain Significance.

NM_001372.4(DNAH9):c.1868G>T (p.Gly623Val)

Gene: DNAH9 (dynein axonemal heavy chain 9; plus strand). Cytogenetic location: 17p12.
Variant type: single nucleotide variant.
Coding change: c.1868G>T on transcript NM_001372.4 (MANE Select); coding-DNA position 1868, G replaced by T.
Protein change: p.Gly623Val; replaces glycine 623 with valine.
Molecular consequence: missense variant.
Genome position (GRCh38, 1-based): chr17:11,640,351, G>T. VCF-style: chr17-11640351-G-T. GRCh37 (hg19) VCF-style: chr17-11543668-G-T.
Other names: short protein forms G623V.
Identifiers: ClinVar variation 4743252 (VCV004743252.1).